The following is an entry in ClinVar:

ClinVar aggregate classification (germline): Uncertain significance. Review status: criteria provided, multiple submitters, no conflicts (2 of 4 stars). 7 submissions from 7 submitters: Uncertain significance (6). 1 of the submissions does not count toward it. Last evaluated 2026-04-03.

Conditions:
Hematuria, benign familial, 1 (BFH1). Also called: THIN MEMBRANE NEPHROPATHY. Identifiers: MedGen CN376803, MONDO:0007709, OMIM 141200.
Autosomal recessive Alport syndrome (ATS2). Also called: COL4A3-Related Nephropathy; ALPORT SYNDROME 2, AUTOSOMAL RECESSIVE; Alport syndrome type 2; COL4A4 Alport Syndrome and Thin Basement Membrane Nephropathy. Identifiers: Orphanet 63, Orphanet 88919, MedGen C4746745, MONDO:0008762, OMIM 203780.
COL4A4-related disorder.
Alport syndrome. Also called: Hemorrhagic familial nephritis; Hemorrhagic hereditary nephritis; Congenital hereditary hematuria. Identifiers: Orphanet 63, MedGen C1567741, MONDO:0018965.
Autosomal dominant Alport syndrome (ATS3A). Also called: Alport syndrome dominant type; Renal failure and sensorineural hearing loss; ALPORT SYNDROME 3A, AUTOSOMAL DOMINANT. Identifiers: Orphanet 63, Orphanet 88918, MedGen C5882663, MONDO:0007086, OMIM 104200.

Allele frequency attached by ClinVar (database versions not stated): gnomAD exomes below 0.00001; gnomAD 0.00001.
gnomAD v4.1: 7 of 1,613,812 alleles (0.00043%); highest among the groups gnomAD compares: South Asian, 0.0022%; no homozygotes.

Submissions (7):

Myriad Genetics, Inc.
Classification: Uncertain significance for Alport syndrome. Last evaluated: 2026-04-03. Review status: criteria provided, single submitter. Criteria: Myriad Autosomal Dominant, Autosomal Recessive and X-Linked Classification Criteria (2023). Collection method: clinical testing. Allele origin: unknown.
Comment: NM_000092.4(COL4A4):c.2969-10A>G is an intronic variant classified as a variant of uncertain significance in the context of Alport syndrome, COL4A4-related. c.2969-10A>G has been observed in a case with relevant disease (PMID: 40003707). Relevant functional assessments of this variant are not available in the literature. c.2969-10A>G has not been observed in referenced population frequency databases. In summary, there is insufficient evidence to classify NM_000092.4(COL4A4):c.2969-10A>G as pathogenic or benign. Please note: this variant was assessed in the context of healthy population screening.

Labcorp Genetics (formerly Invitae), Labcorp
Classification: Uncertain significance. Last evaluated: 2025-06-12. Review status: criteria provided, single submitter. Criteria: Invitae Variant Classification Sherloc (09022015). Collection method: clinical testing. Allele origin: germline.
Comment: This sequence change falls in intron 32 of the COL4A4 gene. It does not directly change the encoded amino acid sequence of the COL4A4 protein. This variant is not present in population databases (gnomAD no frequency). This variant has not been reported in the literature in individuals affected with COL4A4-related conditions. ClinVar contains an entry for this variant (Variation ID: 829841). Algorithms developed to predict the effect of sequence changes on RNA splicing suggest that this variant may disrupt the consensus splice site. In summary, the available evidence is currently insufficient to determine the role of this variant in disease. Therefore, it has been classified as a Variant of Uncertain Significance.

Blueprint Genetics
Classification: Uncertain significance. Last evaluated: 2024-10-29. Review status: criteria provided, single submitter. Criteria: ACMG Guidelines, 2015. Collection method: clinical testing. Allele origin: germline.

MVZ Medizinische Genetik Mainz
Classification: Uncertain significance for Autosomal recessive Alport syndrome. Last evaluated: 2024-09-09. Review status: criteria provided, single submitter. Criteria: UK Practice Guidelines For Variant Classification V4 01 2020. Collection method: clinical testing. Allele origin: germline. Inheritance: Autosomal dominant inheritance. Affected: yes. Observed: 1 variant allele.
Comment: ACMG Criteria: PM2_SUP,PP3,PP4

Fulgent Genetics
Classification: Uncertain significance for Hematuria, benign familial, 1; Autosomal recessive Alport syndrome. Last evaluated: 2024-04-09. Review status: criteria provided, single submitter. Criteria: ACMG Guidelines, 2015. Collection method: clinical testing. Allele origin: germline.

PreventionGenetics, part of Exact Sciences
Classification: Uncertain significance for COL4A4-related condition. Last evaluated: 2022-12-08. Review status: criteria provided, single submitter. Criteria: ACMG Guidelines, 2015. Collection method: clinical testing. Allele origin: germline.
Comment: The COL4A4 c.2969-10A>G variant is predicted to interfere with splicing. This variant is predicted to abolish the canonical splice acceptor site and activate a cryptic donor site 9 nucleotides upstream which could possibly result in insertion of 3 amino acids. To our knowledge, this variant has not been reported in the literature or in a large population database, indicating this variant is rare. Although we suspect that this variant may be pathogenic, at this time, the clinical significance of this variant is uncertain due to the absence of conclusive functional and genetic evidence.

Bioscientia Institut fuer Medizinische Diagnostik GmbH, Sonic Healthcare
Classification: Uncertain significance for Autosomal dominant Alport syndrome. Last evaluated: 2019-04-25. Review status: no assertion criteria provided. Collection method: clinical testing. Allele origin: germline. Affected: yes. Not counted in ClinVar's aggregate classification.

Literature cited by the submitters: PubMed 40003707 (cited by Myriad Genetics, Inc.).

NM_000092.5(COL4A4):c.2969-10A>G

Gene: COL4A4 (collagen type IV alpha 4 chain; minus strand). Cytogenetic location: 2q36.3.
Variant type: single nucleotide variant.
Coding change: c.2969-10A>G on transcript NM_000092.5 (MANE Select); 10 bases into the intron before coding-DNA position 2969, A replaced by G.
Molecular consequence: intron variant.
Genome position (GRCh38, 1-based): chr2:227,051,168, T>C on the plus strand (A>G on the coding strand, the complement: COL4A4 is on the minus strand). VCF-style: chr2-227051168-T-C. GRCh37 (hg19) VCF-style: chr2-227915884-T-C.
Other names: c.2969-10A>G (NM_000092.4).
Identifiers: ClinVar variation 829841 (VCV000829841.10), dbSNP rs1576130915, ClinGen allele CA915941772.